The following is an entry in ClinVar:

ClinVar aggregate classification (germline): Uncertain significance. Review status: criteria provided, multiple submitters, no conflicts (2 of 4 stars). 3 submissions from 3 submitters: Uncertain significance (3). Last evaluated 2024-07-08.

Conditions:
Hereditary cancer-predisposing syndrome. Also called: Neoplastic Syndromes, Hereditary; Hereditary Cancer Syndrome; Tumor predisposition; Hereditary neoplastic syndrome. Identifiers: Orphanet 140162, MedGen C0027672, MeSH D009386, MONDO:0015356.
Renal cell carcinoma. Identifiers: Orphanet 217071, MedGen C0007134, MeSH D002292, MONDO:0005086, HP:0005584.

Allele frequency attached by ClinVar (database versions not stated): TOPMed below 0.00001.
gnomAD v4.1: 6 of 1,614,008 alleles (0.00037%); highest among the groups gnomAD compares: Non-Finnish European, 0.00051%; no homozygotes.

Submissions (3):

Labcorp Genetics (formerly Invitae), Labcorp
Classification: Uncertain significance for Renal cell carcinoma. Last evaluated: 2024-07-08. Review status: criteria provided, single submitter. Criteria: Invitae Variant Classification Sherloc (09022015). Collection method: clinical testing. Allele origin: germline.
Comment: This sequence change replaces methionine, which is neutral and non-polar, with arginine, which is basic and polar, at codon 463 of the MET protein (p.Met463Arg). This variant is not present in population databases (gnomAD no frequency). This variant has not been reported in the literature in individuals affected with MET-related conditions. ClinVar contains an entry for this variant (Variation ID: 652998). Advanced modeling of protein sequence and biophysical properties (such as structural, functional, and spatial information, amino acid conservation, physicochemical variation, residue mobility, and thermodynamic stability) has been performed at Invitae for this missense variant, however the output from this modeling did not meet the statistical confidence thresholds required to predict the impact of this variant on MET protein function. In summary, the available evidence is currently insufficient to determine the role of this variant in disease. Therefore, it has been classified as a Variant of Uncertain Significance.

Ambry Genetics
Classification: Uncertain significance for Hereditary cancer-predisposing syndrome. Last evaluated: 2024-03-26. Review status: criteria provided, single submitter. Criteria: Ambry Variant Classification Scheme 2023. Collection method: clinical testing. Allele origin: germline.
Comment: The p.M463R variant (also known as c.1388T>G), located in coding exon 2 of the MET gene, results from a T to G substitution at nucleotide position 1388. The methionine at codon 463 is replaced by arginine, an amino acid with similar properties. This amino acid position is well conserved in available vertebrate species. In addition, the in silico prediction for this alteration is inconclusive. Based on the available evidence, the clinical significance of this alteration remains unclear.

Blueprint Genetics
Classification: Uncertain significance. Last evaluated: 2023-02-06. Review status: criteria provided, single submitter. Criteria: ACMG Guidelines, 2015. Collection method: clinical testing. Allele origin: germline.

NM_000245.4(MET):c.1388T>G (p.Met463Arg)

Gene: MET (MET proto-oncogene, receptor tyrosine kinase; plus strand). Cytogenetic location: 7q31.2.
Variant type: single nucleotide variant.
Coding change: c.1388T>G on transcript NM_000245.4 (MANE Select); coding-DNA position 1388, T replaced by G.
Protein change: p.Met463Arg; replaces methionine 463 with arginine.
Molecular consequence: missense variant.
Genome position (GRCh38, 1-based): chr7:116,731,855, T>G. VCF-style: chr7-116731855-T-G. GRCh37 (hg19) VCF-style: chr7-116371909-T-G.
Other names: c.1388T>G, p.Met463Arg (NM_001127500.3, NM_001324401.3); c.98T>G, p.Met33Arg (NM_001324402.2); short protein forms M33R, M463R.
Identifiers: ClinVar variation 652998 (VCV000652998.10), dbSNP rs1584914382, ClinGen allele CA368973154.